The following is an entry in ClinVar:

NM_005559.4(LAMA1):c.4790C>T (p.Thr1597Ile)

Gene: LAMA1 (laminin subunit alpha 1; minus strand). Cytogenetic location: 18p11.31.
Variant type: single nucleotide variant.
Coding change: c.4790C>T on transcript NM_005559.4 (MANE Select); coding-DNA position 4790, C replaced by T.
Protein change: p.Thr1597Ile; replaces threonine 1597 with isoleucine.
Molecular consequence: missense variant.
Genome position (GRCh38, 1-based): chr18:6,997,758, G>A on the plus strand (C>T on the coding strand, the complement: LAMA1 is on the minus strand). VCF-style: chr18-6997758-G-A. GRCh37 (hg19) VCF-style: chr18-6997757-G-A.
Other names: short protein forms T1597I.
Identifiers: ClinVar variation 2107886 (VCV002107886.4), dbSNP rs1434065977, ClinGen allele CA401845480.
Genomic context (GRCh38, chr18:6,997,758, plus strand): 5'-TAATGATACAAGTGTCTGTTCATCTCTGTATTTCCAGTACCTACCTGGAGATATTTAGTT[G>A]TATTTTCCAGGTTTGACAAAATTCCATATGGGACAGGGATAATGCCAGTGAGGTTCAGAG-3'
Protein context (NP_005550.2, residues 1587-1607): PYGILSNLEN[Thr1597Ile]TKYLQESLLK

ClinVar aggregate classification (germline): Uncertain significance (1 of 4 stars; one submission).

Allele frequency attached by ClinVar (database versions not stated): gnomAD exomes below 0.00001; TOPMed below 0.00001; gnomAD 0.00001.

Submission:

Labcorp Genetics (formerly Invitae), Labcorp
Classification: Uncertain significance. Last evaluated: 2022-06-28. Review status: criteria provided, single submitter. Criteria: Invitae Variant Classification Sherloc (09022015). Collection method: clinical testing. Allele origin: germline.
Comment: In summary, the available evidence is currently insufficient to determine the role of this variant in disease. Therefore, it has been classified as a Variant of Uncertain Significance. Algorithms developed to predict the effect of missense changes on protein structure and function output the following: SIFT: "Tolerated"; PolyPhen-2: "Benign"; Align-GVGD: "Class C0". The isoleucine amino acid residue is found in multiple mammalian species, which suggests that this missense change does not adversely affect protein function. This variant has not been reported in the literature in individuals affected with LAMA1-related conditions. This variant is not present in population databases (gnomAD no frequency). This sequence change replaces threonine, which is neutral and polar, with isoleucine, which is neutral and non-polar, at codon 1597 of the LAMA1 protein (p.Thr1597Ile).